The following is an entry in ClinVar:

ClinVar aggregate classification (germline): Uncertain significance. Review status: criteria provided, single submitter (1 of 4 stars). 2 submissions from 2 submitters: Uncertain significance (1). 1 of the submissions does not count toward it. Last evaluated 2021-07-09.

Conditions:
NRAP-related disorder. Also called: NRAP-related condition.

Allele frequency attached by ClinVar (database versions not stated): gnomAD 0.00007; gnomAD exomes 0.00012; TOPMed 0.00020; ExAC 0.00050.
gnomAD v4.1: 168 of 1,574,174 alleles (0.011%); highest among the groups gnomAD compares: Admixed American, 0.28%; no homozygotes.

Submissions (2):

Blueprint Genetics
Classification: Uncertain significance. Last evaluated: 2021-07-09. Review status: criteria provided, single submitter. Criteria: ACMG Guidelines, 2015. Collection method: clinical testing. Allele origin: germline.

PreventionGenetics, part of Exact Sciences
Classification: Likely benign for NRAP-related condition. Last evaluated: 2022-05-09. Review status: no assertion criteria provided. Collection method: clinical testing. Allele origin: germline. Not counted in ClinVar's aggregate classification.
Comment: This variant is classified as likely benign based on ACMG/AMP sequence variant interpretation guidelines (Richards et al. 2015 PMID: 25741868, with internal and published modifications).

NM_198060.4(NRAP):c.1633-3C>G

Gene: NRAP (nebulin related anchoring protein; minus strand). Cytogenetic location: 10q25.3.
Variant type: single nucleotide variant.
Coding change: c.1633-3C>G on transcript NM_198060.4 (MANE Select); 3 bases into the intron before coding-DNA position 1633, C replaced by G.
Molecular consequence: intron variant.
Genome position (GRCh38, 1-based): chr10:113,631,967, G>C on the plus strand (C>G on the coding strand, the complement: NRAP is on the minus strand). VCF-style: chr10-113631967-G-C. GRCh37 (hg19) VCF-style: chr10-115391726-G-C.
Other names: c.1528-3C>G (NM_006175.5); c.1633-3C>G (NM_001322945.2, NM_001261463.2).
Identifiers: ClinVar variation 3043245 (VCV003043245.3), dbSNP rs531950079, ClinGen allele CA5695460.